The following is an entry in ClinVar:

ClinVar aggregate classification (germline): Likely benign. Review status: criteria provided, multiple submitters, no conflicts (2 of 4 stars). 2 submissions from 2 submitters: Likely benign (2). Last evaluated 2023-03-23.

Conditions:
Hereditary cancer-predisposing syndrome. Also called: Hereditary Cancer Syndrome; Hereditary neoplastic syndrome; Neoplastic Syndromes, Hereditary; Tumor predisposition. Identifiers: Orphanet 140162, MedGen C0027672, MeSH D009386, MONDO:0015356.

Submissions (2):

University of Washington Department of Laboratory Medicine, University of Washington
Classification: Likely benign for Hereditary cancer-predisposing syndrome. Last evaluated: 2023-03-23. Review status: criteria provided, single submitter. Criteria: Dines et al. (Genet Med. 2020). Collection method: curation. Allele origin: germline.
Comment: Missense variant in a coldspot region where missense variants are very unlikely to be pathogenic (PMID:31911673).

BRCA1 coldspot (exon 11 using historical exon numbering). Reclassification based on statistical prior probability

Ambry Genetics
Classification: Likely benign for Hereditary cancer-predisposing syndrome. Last evaluated: 2020-02-27. Review status: criteria provided, single submitter. Criteria: Ambry Variant Classification Scheme 2023. Collection method: clinical testing. Allele origin: germline.

NM_007294.4(BRCA1):c.1468C>T (p.Pro490Ser)

Gene: BRCA1 (BRCA1 DNA repair associated; minus strand). Cytogenetic location: 17q21.31.
Variant type: single nucleotide variant.
Coding change: c.1468C>T on transcript NM_007294.4 (MANE Select); coding-DNA position 1468, C replaced by T.
Protein change: p.Pro490Ser; replaces proline 490 with serine.
Molecular consequence: missense variant. On other transcripts: intron variant (137).
Genome position (GRCh38, 1-based): chr17:43,094,063, G>A on the plus strand (C>T on the coding strand, the complement: BRCA1 is on the minus strand). VCF-style: chr17-43094063-G-A. GRCh37 (hg19) VCF-style: chr17-41246080-G-A.
Other names: c.451+681C>T (NM_001408508.1, NM_001408509.1); c.577+681C>T (NM_001408480.1, NM_001408481.1, NM_001408492.1 and 9 more transcripts); c.574+681C>T (NM_001408491.1, NM_001408493.1, NM_001408490.1); c.778+681C>T (NM_001408408.1); c.661+681C>T (NM_001408446.1, NM_001408435.1, NM_001408448.1 and 6 more transcripts); c.460+1783C>T (NM_001408506.1, NM_001408507.1); c.1327C>T, p.Pro443Ser (NM_001407694.1, NM_001407695.1, NM_001407696.1 and 29 more transcripts); c.1324C>T, p.Pro442Ser (NM_001407740.1, NM_001407741.1, NM_001407742.1 and 20 more transcripts); and 40 more; short protein forms P322S, P420S, P422S, P423S, P464S, P490S, P194S, P363S.
Identifiers: ClinVar variation 1773294 (VCV001773294.4), dbSNP rs2154444404, ClinGen allele CA10599110.